The following is an entry in ClinVar:

ClinVar aggregate classification (germline): Conflicting classifications of pathogenicity. Review status: criteria provided, conflicting classifications (1 of 4 stars). 4 submissions from 4 submitters: Uncertain significance (1); Benign (1); Likely benign (2). Last evaluated 2025-11-17.

Conditions:
Hereditary hemorrhagic telangiectasia (HHT). Also called: ORW DISEASE; Osler Weber Rendu syndrome; OSLER-RENDU-WEBER DISEASE; Osler hemorrhagic telangiectasia syndrome. Identifiers: Orphanet 774, MedGen C0039445, MONDO:0019180. Disease mechanism: loss of function.
Cardiovascular phenotype. Identifiers: MedGen CN230736.
Telangiectasia, hereditary hemorrhagic, type 1 (HHT1). Also called: Osler Weber Rendu syndrome type 1; ENG-Related Hereditary Hemorrhagic Telangiectasia. Identifiers: Orphanet 774, MedGen C4551861, MONDO:0008535, OMIM 187300. Disease mechanism: loss of function.

Allele frequency attached by ClinVar (database versions not stated): gnomAD 0.00042; 1000 Genomes Project 30x 0.00047; ESP Exome Variant Server 0.00016; TOPMed 0.00034; ExAC 0.00045; 1000 Genomes Project 0.00060.
gnomAD v4.1: 186 of 1,580,298 alleles (0.012%); highest among the groups gnomAD compares: African/African-American, 0.13%; no homozygotes.

Submissions (4):

Labcorp Genetics (formerly Invitae), Labcorp
Classification: Benign for Hereditary hemorrhagic telangiectasia. Last evaluated: 2025-11-17. Review status: criteria provided, single submitter. Criteria: Invitae Variant Classification Sherloc (09022015). Collection method: clinical testing. Allele origin: germline.

Blueprint Genetics
Classification: Likely benign. Last evaluated: 2024-08-19. Review status: criteria provided, single submitter. Criteria: ACMG Guidelines, 2015. Collection method: clinical testing. Allele origin: germline.

ARUP Laboratories, Molecular Genetics and Genomics, ARUP Laboratories
Classification: Uncertain significance for Telangiectasia, hereditary hemorrhagic, type 1. Last evaluated: 2023-09-06. Review status: criteria provided, single submitter. Criteria: ARUP Molecular Germline Variant Investigation Process 2024. Collection method: clinical testing. Allele origin: germline.
Comment: The ENG c.687C>T; p.Ala229Ala variant (rs376919650), to our knowledge, is not reported in the medical literature or gene specific databases. This variant is found in the general population with an overall allele frequency of 0.02% (45/230158 alleles) in the Genome Aggregation Database, with an increased frequency of 0.1% in African Americans. This is a synonymous variant in a weakly conserved nucleotide, but computational analyses (Alamut v.2.11) predict that this variant may impact splicing by weakening the nearby canonical donor splice site. Due to limited information, the clinical significance of the p.Ala229Ala variant is uncertain at this time.

Ambry Genetics
Classification: Likely benign for Cardiovascular phenotype. Last evaluated: 2022-07-25. Review status: criteria provided, single submitter. Criteria: Ambry Variant Classification Scheme 2023. Collection method: clinical testing. Allele origin: germline.

NM_001114753.3(ENG):c.687C>T (p.Ala229=)

Gene: ENG (endoglin; minus strand). Cytogenetic location: 9q34.11.
Variant type: single nucleotide variant.
Coding change: c.687C>T on transcript NM_001114753.3 (MANE Select); coding-DNA position 687, C replaced by T.
Protein change: p.Ala229=; no amino-acid change (alanine 229 retained).
Molecular consequence: synonymous variant.
Genome position (GRCh38, 1-based): chr9:127,825,697, G>A on the plus strand (C>T on the coding strand, the complement: ENG is on the minus strand). VCF-style: chr9-127825697-G-A. GRCh37 (hg19) VCF-style: chr9-130587976-G-A.
Other names: c.687C>T, p.Ala229= (NM_000118.4, NM_001406715.1); c.141C>T, p.Ala47= (NM_001278138.2).
Identifiers: ClinVar variation 618087 (VCV000618087.22), dbSNP rs376919650, ClinGen allele CA5253050.
Genomic context (GRCh38, chr9:127,825,697, plus strand): 5'-TCAGGGGGGTGGTCTCTCGGGGTGGGGACTAGTGTCAGGGGCGGGGCGAGAGCCATACCC[G>A]GCCGAGTGGCCCGGCAGGACCCTCAGGATGTGCGCCTCCTTGTGGCCGGCCACGCCTTCC-3'
Protein context (NP_001108225.1, residues 219-239): HILRVLPGHS[Ala229=]GPRTVTVKVE